The following is an entry in ClinVar:

NM_177438.3(DICER1):c.904-5T>C

Gene: DICER1 (dicer 1, ribonuclease III; minus strand). Cytogenetic location: 14q32.13.
Variant type: single nucleotide variant.
Coding change: c.904-5T>C on transcript NM_177438.3 (MANE Select); 5 bases into the intron before coding-DNA position 904, T replaced by C.
Molecular consequence: intron variant.
Genome position (GRCh38, 1-based): chr14:95,124,673, A>G on the plus strand (T>C on the coding strand, the complement: DICER1 is on the minus strand). VCF-style: chr14-95124673-A-G. GRCh37 (hg19) VCF-style: chr14-95591010-A-G.
Other names: c.904-5T>C (NM_001291628.2, NM_030621.4, NM_001271282.3 and 1 more transcripts).
Identifiers: ClinVar variation 543684 (VCV000543684.16), dbSNP rs1379402448, ClinGen allele CA658798259.
Genomic context (GRCh38, chr14:95,124,673, plus strand): 5'-TTATCTGCACACCAGGGTCCCAGAACTACCAATACGGCACGACAGTCTGATAGTATCTAC[A>G]AAAAAAAGAAAAGAAAAAACCTAATGCCAAATAATAATAATGTAGCATTTTCATGTGGGG-3'

ClinVar aggregate classification (germline): Conflicting classifications of pathogenicity. Review status: criteria provided, conflicting classifications (1 of 4 stars). 3 submissions from 3 submitters: Uncertain significance (2); Likely benign (1). Last evaluated 2025-05-20.

Conditions:
DICER1-related tumor predisposition. Also called: DICER1-related pleuropulmonary blastoma cancer predisposition syndrome; DICER1 syndrome. Identifiers: Orphanet 284343, MedGen C3839822, MONDO:0100216.
Hereditary cancer-predisposing syndrome. Also called: Neoplastic Syndromes, Hereditary; Tumor predisposition; Hereditary Cancer Syndrome; Hereditary neoplastic syndrome. Identifiers: Orphanet 140162, MedGen C0027672, MeSH D009386, MONDO:0015356.

Submissions (3):

Ambry Genetics
Classification: Uncertain significance for Hereditary cancer-predisposing syndrome. Last evaluated: 2025-05-20. Review status: criteria provided, single submitter. Criteria: Ambry Variant Classification Scheme 2023. Collection method: clinical testing. Allele origin: germline.
Comment: The c.904-5T>C intronic variant results from a T to C substitution 5 nucleotides upstream from coding exon 7 in the DICER1 gene. This nucleotide position is not well conserved in available vertebrate species. In silico splice site analysis predicts that this alteration will not have any significant effect on splicing; however, direct evidence is insufficient at this time (Ambry internal data). Since supporting evidence is limited at this time, the clinical significance of this alteration remains unclear.

Hereditary Cancer Group, L’Institut d'Investigació Biomèdica de Bellvitge
Classification: Uncertain significance for Hereditary cancer-predisposing syndrome. Last evaluated: 2024-12-19. Review status: criteria provided, single submitter. Criteria: Hatton et al. (Hum Mutat. 2023). Collection method: clinical testing. Allele origin: germline. Inheritance: Autosomal dominant inheritance. Affected: yes.
Comment: PM2_supporting, BP4

Labcorp Genetics (formerly Invitae), Labcorp
Classification: Likely benign for DICER1-related tumor predisposition. Last evaluated: 2024-03-27. Review status: criteria provided, single submitter. Criteria: Invitae Variant Classification Sherloc (09022015). Collection method: clinical testing. Allele origin: germline.